The following is an entry in ClinVar:

ClinVar aggregate classification (germline): Uncertain significance (1 of 4 stars; one submission).

Conditions:
Hereditary cancer-predisposing syndrome. Also called: Hereditary Cancer Syndrome; Tumor predisposition; Hereditary neoplastic syndrome; Neoplastic Syndromes, Hereditary. Identifiers: Orphanet 140162, MedGen C0027672, MeSH D009386, MONDO:0015356.

Submission:

Ambry Genetics
Classification: Uncertain significance for Hereditary cancer-predisposing syndrome. Last evaluated: 2024-05-09. Review status: criteria provided, single submitter. Criteria: Ambry Variant Classification Scheme 2023. Collection method: clinical testing. Allele origin: germline.
Comment: The p.G212D variant (also known as c.635G>A), located in coding exon 6 of the BRIP1 gene, results from a G to A substitution at nucleotide position 635. The glycine at codon 212 is replaced by aspartic acid, an amino acid with similar properties. This amino acid position is conserved. In addition, this alteration is predicted to be tolerated by in silico analysis. Based on the available evidence, the clinical significance of this variant remains unclear.

NM_032043.3(BRIP1):c.635G>A (p.Gly212Asp)

Gene: BRIP1 (BRCA1 interacting DNA helicase 1; minus strand). Cytogenetic location: 17q23.2.
Variant type: single nucleotide variant.
Coding change: c.635G>A on transcript NM_032043.3 (MANE Select); coding-DNA position 635, G replaced by A.
Protein change: p.Gly212Asp; replaces glycine 212 with aspartic acid.
Molecular consequence: missense variant.
Genome position (GRCh38, 1-based): chr17:61,808,750, C>T on the plus strand (G>A on the coding strand, the complement: BRIP1 is on the minus strand). VCF-style: chr17-61808750-C-T. GRCh37 (hg19) VCF-style: chr17-59886111-C-T.
Other names: short protein forms G212D.
Identifiers: ClinVar variation 3261788 (VCV003261788.1).
Genomic context (GRCh38, chr17:61,808,750, plus strand): 5'-GTATTCGATGACTCTTGACTGTTTCCTTGTTTAGTAGAACAACAGCACCTAGAACAGTGG[C>T]CAGGGGGCTGTAAGAAAGGAAAGAAACGATAACTAATATCTAAACTACCATAAAAAACGT-3'
Protein context (NP_114432.2, residues 202-222): INSFSPQKPP[Gly212Asp]HCSRCCCSTK